The following is an entry in ClinVar:

ClinVar aggregate classification (germline): Uncertain significance (1 of 4 stars; one submission).

Submission:

Women's Health and Genetics/Laboratory Corporation of America, LabCorp
Classification: Uncertain significance. Last evaluated: 2025-06-18. Review status: criteria provided, single submitter. Criteria: LabCorp Variant Classification Summary - May 2015. Collection method: clinical testing. Allele origin: germline.
Comment: Variant summary: The variant involves the duplication of exons 1-3 in the GPR78 gene. A presumed nomenclature of c.(?_-592)_(*2661_?)dup has been designated for the purposes of this classification. This duplication includes the entire coding sequence of the gene. As exact breakpoints are unknown, it may extend beyond the annotated region of the gene, to include other flanking genes. The variant was absent in 21694 control chromosomes. The available data on variant occurrences in the general population are insufficient to allow any conclusion about variant significance. To our knowledge, no occurrence of c.(?_-592)_(*2661_?)dup in individuals affected with GPR78-Related Disorders and no experimental evidence demonstrating its impact on protein function have been reported. No submitters have cited clinical-significance assessments for this variant to ClinVar. Based on the evidence outlined above, the variant was classified as uncertain significance.

NC_000004.11:g.(?_8582118)_(8591751_?)dup

Gene: GPR78 (G protein-coupled receptor 78; plus strand). Cytogenetic location: 4p16.1.
Variant type: Duplication.
Identifiers: ClinVar variation 3907029 (VCV003907029.1).